The following is an entry in ClinVar:

NM_173689.7(CRB2):c.661G>A (p.Glu221Lys)

Gene: CRB2 (crumbs cell polarity complex component 2; plus strand). Cytogenetic location: 9q33.3.
Variant type: single nucleotide variant.
Coding change: c.661G>A on transcript NM_173689.7 (MANE Select); coding-DNA position 661, G replaced by A.
Protein change: p.Glu221Lys; replaces glutamic acid 221 with lysine.
Molecular consequence: missense variant.
Genome position (GRCh38, 1-based): chr9:123,366,273, G>A. VCF-style: chr9-123366273-G-A. GRCh37 (hg19) VCF-style: chr9-126128552-G-A.
Other names: p.Glu221Lys; c.661G>A (NM_173689.5); short protein forms E221K.
Identifiers: ClinVar variation 953375 (VCV000953375.8), dbSNP rs368631180, ClinGen allele CA5231731.

ClinVar aggregate classification (germline): Uncertain significance. Review status: criteria provided, multiple submitters, no conflicts (2 of 4 stars). 5 submissions from 5 submitters: Uncertain significance (5). Last evaluated 2025-08-28.

Conditions:
Inborn genetic diseases. Identifiers: MedGen C0950123, MeSH D030342.

Allele frequency attached by ClinVar (database versions not stated): gnomAD exomes 0.00009 and 0.00003; TOPMed 0.00032; 1000 Genomes Project 0.00040; 1000 Genomes Project 30x 0.00062; gnomAD 0.00022 and 0.00025; ESP Exome Variant Server 0.00031; ExAC 0.00045.
gnomAD v4.1: 76 of 1,509,362 alleles (0.005%); highest among the groups gnomAD compares: African/African-American, 0.081%; 1 homozygote.

Submissions (5):

Ambry Genetics
Classification: Uncertain significance for Inborn genetic diseases. Last evaluated: 2025-08-28. Review status: criteria provided, single submitter. Criteria: Ambry Variant Classification Scheme 2023. Collection method: clinical testing. Allele origin: germline.

Labcorp Genetics (formerly Invitae), Labcorp
Classification: Uncertain significance. Last evaluated: 2025-06-12. Review status: criteria provided, single submitter. Criteria: Invitae Variant Classification Sherloc (09022015). Collection method: clinical testing. Allele origin: germline.
Comment: This sequence change replaces glutamic acid, which is acidic and polar, with lysine, which is basic and polar, at codon 221 of the CRB2 protein (p.Glu221Lys). This variant is present in population databases (rs368631180, gnomAD 0.07%). This variant has not been reported in the literature in individuals affected with CRB2-related conditions. ClinVar contains an entry for this variant (Variation ID: 953375). Invitae Evidence Modeling of protein sequence and biophysical properties (such as structural, functional, and spatial information, amino acid conservation, physicochemical variation, residue mobility, and thermodynamic stability) has been performed for this missense variant. However, the output from this modeling did not meet the statistical confidence thresholds required to predict the impact of this variant on CRB2 protein function. In summary, the available evidence is currently insufficient to determine the role of this variant in disease. Therefore, it has been classified as a Variant of Uncertain Significance.

Mayo Clinic Laboratories, Mayo Clinic
Classification: Uncertain significance. Last evaluated: 2023-10-12. Review status: criteria provided, single submitter. Criteria: ACMG Guidelines, 2015. Collection method: clinical testing. Allele origin: germline. Observed: 1 variant allele.
Comment: PP3

Blueprint Genetics
Classification: Uncertain significance. Last evaluated: 2022-08-24. Review status: criteria provided, single submitter. Criteria: ACMG Guidelines, 2015. Collection method: clinical testing. Allele origin: germline.

GeneDx
Classification: Uncertain significance. Last evaluated: 2022-03-28. Review status: criteria provided, single submitter. Criteria: GeneDx Variant Classification Process June 2021. Collection method: clinical testing. Allele origin: germline. Affected: yes.
Comment: In silico analysis supports that this missense variant has a deleterious effect on protein structure/function; Has not been previously published as pathogenic or benign to our knowledge